The following is an entry in ClinVar:

NM_000090.4(COL3A1):c.636+126C>T

Gene: COL3A1 (collagen type III alpha 1 chain; plus strand). Cytogenetic location: 2q32.2.
Variant type: single nucleotide variant.
Coding change: c.636+126C>T on transcript NM_000090.4 (MANE Select); 126 bases into the intron after coding-DNA position 636, C replaced by T.
Molecular consequence: intron variant.
Genome position (GRCh38, 1-based): chr2:188,988,769, C>T. VCF-style: chr2-188988769-C-T. GRCh37 (hg19) VCF-style: chr2-189853495-C-T.
Identifiers: ClinVar variation 673615 (VCV000673615.2), dbSNP rs41272809, ClinGen allele CA62588897.
Genomic context (GRCh38, chr2:188,988,769, plus strand): 5'-TAAAACAAGTATAGGTCTTTACAGAATGAAGATTAAATTTACCCTTAAGTTTGTAAATAA[C>T]GAATAGCATTTTATTGAGTCTTTTGGACTCTTTCAATTGTTAGCTATCTTAGAGACACTA-3'

ClinVar aggregate classification (germline): Likely benign. Review status: criteria provided, multiple submitters, no conflicts (2 of 4 stars). 2 submissions from 2 submitters: Likely benign (2). Last evaluated 2018-06-16.

Allele frequency attached by ClinVar (database versions not stated): 1000 Genomes Project 30x 0.00109; 1000 Genomes Project 0.00140; TOPMed 0.00444; gnomAD 0.00544 and 0.00565; gnomAD exomes 0.00592.
gnomAD v4.1: 3,885 of 672,452 alleles (0.58%); highest among the groups gnomAD compares: Non-Finnish European, 0.75%; 17 homozygotes.

Submissions (2):

GeneDx
Classification: Likely benign. Last evaluated: 2018-06-16. Review status: criteria provided, single submitter. Criteria: GeneDx Variant Classification (06012015). Collection method: clinical testing. Allele origin: germline. Affected: yes.
Comment: This variant is considered likely benign or benign based on one or more of the following criteria: it is a conservative change, it occurs at a poorly conserved position in the protein, it is predicted to be benign by multiple in silico algorithms, and/or has population frequency not consistent with disease.

Breakthrough Genomics
Classification: Likely benign. Review status: criteria provided, single submitter. Criteria: ACMG Guidelines, 2015. Collection method: not provided. Allele origin: germline. Inheritance: Autosomal recessive inheritance. Affected: yes.